The following is an entry in ClinVar:

ClinVar aggregate classification (germline): Uncertain significance (1 of 4 stars; one submission).

Allele frequency attached by ClinVar (database versions not stated): gnomAD exomes below 0.00001 and 0.00001.

Submission:

Labcorp Genetics (formerly Invitae), Labcorp
Classification: Uncertain significance. Last evaluated: 2021-09-01. Review status: criteria provided, single submitter. Criteria: Invitae Variant Classification Sherloc (09022015). Collection method: clinical testing. Allele origin: germline.
Comment: This variant, c.2552_2557del, is a complex sequence change that results in the deletion of 3 and insertion of 1 amino acid(s) in the PTPN23 protein (p.Val851_Pro853delinsAla). This variant is not present in population databases (ExAC no frequency). This variant has not been reported in the literature in individuals affected with PTPN23-related conditions. Experimental studies and prediction algorithms are not available or were not evaluated, and the functional significance of this variant is currently unknown. In summary, the available evidence is currently insufficient to determine the role of this variant in disease. Therefore, it has been classified as a Variant of Uncertain Significance.

NM_015466.4(PTPN23):c.2552_2557del (p.Val851_Pro853delinsAla)

Gene: PTPN23 (protein tyrosine phosphatase non-receptor type 23; plus strand). Cytogenetic location: 3p21.31.
Variant type: Deletion.
Coding change: c.2552_2557del on transcript NM_015466.4 (MANE Select); coding-DNA positions 2552 to 2557, 6 bases deleted (TAGGGC; older notation c.2552_2557delTAGGGC).
Protein change: p.Val851_Pro853delinsAla.
Molecular consequence: inframe indel.
Genome position (GRCh38, 1-based): chr3:47,410,350-47,410,355, TAGGGC deleted. VCF-style (leftmost placement, unchanged base first): chr3-47410349-GTAGGGC-G. GRCh37 (hg19) VCF-style: chr3-47451839-GTAGGGC-G.
Other names: c.2174_2179del, p.Val725_Pro727delinsAla (NM_001304482.2).
Identifiers: ClinVar variation 1379123 (VCV001379123.6), dbSNP rs1234546178, ClinGen allele CA543043150.